The following is an entry in ClinVar:

NM_013314.4(BLNK):c.210C>G (p.Ser70Arg)

Gene: BLNK (B cell linker; minus strand). Cytogenetic location: 10q24.1.
Variant type: single nucleotide variant.
Coding change: c.210C>G on transcript NM_013314.4 (MANE Select); coding-DNA position 210, C replaced by G.
Protein change: p.Ser70Arg; replaces serine 70 with arginine.
Molecular consequence: missense variant. On other transcripts: non-coding transcript variant (4).
Genome position (GRCh38, 1-based): chr10:96,227,561, G>C on the plus strand (C>G on the coding strand, the complement: BLNK is on the minus strand). VCF-style: chr10-96227561-G-C. GRCh37 (hg19) VCF-style: chr10-97987317-G-C.
Other names: c.210C>G, p.Ser70Arg (NM_001114094.2, NM_001258440.2, NM_001258441.2 and 1 more transcripts); short protein forms S70R.
Identifiers: ClinVar variation 1517344 (VCV001517344.8), dbSNP rs138625467, ClinGen allele CA377726059.
Genomic context (GRCh38, chr10:96,227,561, plus strand): 5'-CTCCTCGGCGGGCATCACGTACATCTCTGAGTCCGAGTGCTCATCTGGATTTTCATAGTC[G>C]CTGTCCTGCAAGTGCAGATGCAGACACTGTGCTCAGCATCCCCGTCTGTGCTGCCTGGCC-3'
Protein context (NP_037446.1, residues 60-80): EEEQWSDDFD[Ser70Arg]DYENPDEHSD

ClinVar aggregate classification (germline): Uncertain significance (1 of 4 stars; one submission).

Conditions:
Agammaglobulinemia 4, autosomal recessive (AGM4). Also called: AGAMMAGLOBULINEMIA, AUTOSOMAL RECESSIVE, DUE TO BLNK DEFECT; B cell linker protein deficiency. Identifiers: MedGen C3150752, MONDO:0013289, OMIM 613502.

gnomAD v4.1: 1 of 1,613,812 alleles (0.000062%); highest among the groups gnomAD compares: Admixed American, 0.0017%; no homozygotes.

Submission:

Labcorp Genetics (formerly Invitae), Labcorp
Classification: Uncertain significance for Agammaglobulinemia 4, autosomal recessive. Last evaluated: 2021-01-18. Review status: criteria provided, single submitter. Criteria: Invitae Variant Classification Sherloc (09022015). Collection method: clinical testing. Allele origin: germline.
Comment: In summary, the available evidence is currently insufficient to determine the role of this variant in disease. Therefore, it has been classified as a Variant of Uncertain Significance. Algorithms developed to predict the effect of missense changes on protein structure and function are either unavailable or do not agree on the potential impact of this missense change (SIFT: "Deleterious"; PolyPhen-2: "Benign"; Align-GVGD: "Class C0"). This variant has not been reported in the literature in individuals with BLNK-related conditions. This variant is not present in population databases (ExAC no frequency). This sequence change replaces serine with arginine at codon 70 of the BLNK protein (p.Ser70Arg). The serine residue is highly conserved and there is a moderate physicochemical difference between serine and arginine.